The following is an entry in ClinVar:

NM_080605.4(B3GALT6):c.763C>T (p.Gln255Ter)

Gene: B3GALT6 (beta-1,3-galactosyltransferase 6; plus strand). Cytogenetic location: 1p36.33.
Variant type: single nucleotide variant.
Coding change: c.763C>T on transcript NM_080605.4 (MANE Select); coding-DNA position 763, C replaced by T.
Protein change: p.Gln255Ter; replaces glutamine 255 with a stop codon.
Molecular consequence: nonsense.
Genome position (GRCh38, 1-based): chr1:1,233,041, C>T. VCF-style: chr1-1233041-C-T. GRCh37 (hg19) VCF-style: chr1-1168421-C-T.
Other names: short protein forms Q255*.
Identifiers: ClinVar variation 666963 (VCV000666963.4), dbSNP rs1239366051, ClinGen allele CA337829247.

ClinVar aggregate classification (germline): Likely pathogenic (1 of 4 stars; one submission).

Conditions:
Spondyloepiphyseal dysplasia. Also called: Spondylo-epi-(meta)-physeal dysplasia. Identifiers: Orphanet 253, MedGen C0038015, MONDO:0016761, HP:0002655.

Allele frequency attached by ClinVar (database versions not stated): gnomAD exomes 0.00001.

Submission:

Laboratory for Molecular Medicine, Mass General Brigham Personalized Medicine
Classification: Likely pathogenic for Spondyloepiphyseal dysplasia and spondyloepimetaphyseal dysplasia. Last evaluated: 2018-01-25. Review status: criteria provided, single submitter. Criteria: LMM Criteria. Collection method: clinical testing. Allele origin: germline. Inheritance: Autosomal recessive inheritance. Observed: 1 variant allele.
Comment: The p.Gln255X (NM_080605.3 c.763C>T) variant in B3GALT6 has not been previously reported in the literature, but has been identified in 1/11060 East Asian chromo somes by the Genome Aggregation Database. Thi s nonsense variant leads to a premature termination codon at position 255, which is predicted to lead to a truncated or absent protein. Biallelic loss of functi on of the B3GALT6 gene has been associated with a spectrum of skeletal and conne ctive tissue disorders, including spondyloepimetaphyseal dysplasia with joint la xity, type 1, and Ehlers-Danlos syndrome, progeroid type. In summary, although a dditional studies are required to fully establish a null effect, the p.Gln255X v ariant is likely pathogenic for B3GALT6-associated skeletal and connective tissu e disorders in an autosomal recessive manner based on its predicted impact on pr otein function. ACMG/AMP Criteria applied: PVS1_Strong, PM2.